The following is an entry in ClinVar:

ClinVar aggregate classification (germline): Likely benign (1 of 4 stars; one submission).

Submission:

CeGaT Center for Human Genetics Tuebingen
Classification: Likely benign. Last evaluated: 2026-03-01. Review status: criteria provided, single submitter. Criteria: CeGaT Center For Human Genetics Tuebingen Variant Classification Criteria Version 2. Collection method: clinical testing. Allele origin: germline. Affected: yes. Observed: 1 variant allele.
Comment: KMT2D: PM2:Supporting, BP4, BP7

NM_003482.4(KMT2D):c.7134T>C (p.Tyr2378=)

Gene: KMT2D (lysine methyltransferase 2D; minus strand). Cytogenetic location: 12q13.12.
Variant type: single nucleotide variant.
Coding change: c.7134T>C on transcript NM_003482.4 (MANE Select); coding-DNA position 7134, T replaced by C.
Protein change: p.Tyr2378=; no amino-acid change (tyrosine 2378 retained).
Molecular consequence: synonymous variant.
Genome position (GRCh38, 1-based): chr12:49,040,636, A>G on the plus strand (T>C on the coding strand, the complement: KMT2D is on the minus strand). VCF-style: chr12-49040636-A-G. GRCh37 (hg19) VCF-style: chr12-49434419-A-G.
Identifiers: ClinVar variation 4822256 (VCV004822256.4).